The following is an entry in ClinVar:

NM_006947.4(SRP72):c.912A>G (p.Gln304=)

Gene: SRP72 (signal recognition particle 72; plus strand). Cytogenetic location: 4q12.
Variant type: single nucleotide variant.
Coding change: c.912A>G on transcript NM_006947.4 (MANE Select); coding-DNA position 912, A replaced by G.
Protein change: p.Gln304=; no amino-acid change (glutamine 304 retained).
Molecular consequence: synonymous variant. On other transcripts: non-coding transcript variant (1).
Genome position (GRCh38, 1-based): chr4:56,483,225, A>G. VCF-style: chr4-56483225-A-G. GRCh37 (hg19) VCF-style: chr4-57349391-A-G.
Other names: c.912A>G (NM_006947.3); c.729A>G, p.Gln243= (NM_001267722.2).
Identifiers: ClinVar variation 2970638 (VCV002970638.7), dbSNP rs774349485, ClinGen allele CA2931214.

ClinVar aggregate classification (germline): Likely benign. Review status: criteria provided, multiple submitters, no conflicts (2 of 4 stars). 4 submissions from 4 submitters: Likely benign (3). 1 of the submissions does not count toward it. Last evaluated 2025-05-27.

Conditions:
SRP72-related disorder. Also called: SRP72-related condition.

Allele frequency attached by ClinVar (database versions not stated): gnomAD 0.00001; gnomAD exomes 0.00001; ExAC 0.00002; TOPMed 0.00002.
gnomAD v4.1: 13 of 1,612,666 alleles (0.00081%); highest among the groups gnomAD compares: Non-Finnish European, 0.0011%; no homozygotes.

Submissions (4):

Labcorp Genetics (formerly Invitae), Labcorp
Classification: Likely benign. Last evaluated: 2025-05-27. Review status: criteria provided, single submitter. Criteria: Invitae Variant Classification Sherloc (09022015). Collection method: clinical testing. Allele origin: germline.

Ambry Genetics
Classification: Likely benign. Last evaluated: 2025-03-06. Review status: criteria provided, single submitter. Criteria: Ambry Variant Classification Scheme 2023. Collection method: clinical testing. Allele origin: germline.

Blueprint Genetics
Classification: Likely benign. Last evaluated: 2021-09-04. Review status: criteria provided, single submitter. Criteria: ACMG Guidelines, 2015. Collection method: clinical testing. Allele origin: germline.

PreventionGenetics, part of Exact Sciences
Classification: Likely benign for SRP72-related condition. Last evaluated: 2023-05-15. Review status: no assertion criteria provided. Collection method: clinical testing. Allele origin: germline. Not counted in ClinVar's aggregate classification.
Comment: This variant is classified as likely benign based on ACMG/AMP sequence variant interpretation guidelines (Richards et al. 2015 PMID: 25741868, with internal and published modifications).